The following is an entry in ClinVar:

ClinVar aggregate classification (germline): Uncertain significance. Review status: criteria provided, multiple submitters, no conflicts (2 of 4 stars). 2 submissions from 2 submitters: Uncertain significance (2). Last evaluated 2024-09-10.

Conditions:
RASopathy. Also called: rasopathies; Noonan spectrum disorder. Identifiers: Orphanet 536391, MedGen C5555857, MONDO:0021060.

Submissions (2):

Labcorp Genetics (formerly Invitae), Labcorp
Classification: Uncertain significance for RASopathy. Last evaluated: 2024-09-10. Review status: criteria provided, single submitter. Criteria: Invitae Variant Classification Sherloc (09022015). Collection method: clinical testing. Allele origin: germline.
Comment: This sequence change replaces isoleucine, which is neutral and non-polar, with threonine, which is neutral and polar, at codon 592 of the BRAF protein (p.Ile592Thr). This variant is not present in population databases (gnomAD no frequency). This variant has not been reported in the literature in individuals affected with BRAF-related conditions. ClinVar contains an entry for this variant (Variation ID: 40386). Invitae Evidence Modeling of protein sequence and biophysical properties (such as structural, functional, and spatial information, amino acid conservation, physicochemical variation, residue mobility, and thermodynamic stability) indicates that this missense variant is expected to disrupt BRAF protein function with a positive predictive value of 80%. In summary, the available evidence is currently insufficient to determine the role of this variant in disease. Therefore, it has been classified as a Variant of Uncertain Significance.

GeneDx
Classification: Uncertain significance. Last evaluated: 2022-07-09. Review status: criteria provided, single submitter. Criteria: GeneDx Variant Classification Process June 2021. Collection method: clinical testing. Allele origin: germline. Affected: yes.
Comment: Not observed at significant frequency in large population cohorts (gnomAD); Missense variants in this gene are often considered pathogenic (HGMD); In silico analysis supports that this missense variant has a deleterious effect on protein structure/function; Has not been previously published as pathogenic or benign to our knowledge; This variant is associated with the following publications: (PMID: 29493581)

NM_004333.6(BRAF):c.1775T>C (p.Ile592Thr)

Gene: BRAF (B-Raf proto-oncogene, serine/threonine kinase; minus strand). Cytogenetic location: 7q34.
Variant type: single nucleotide variant.
Coding change: c.1775T>C on transcript NM_004333.6 (MANE Select); coding-DNA position 1775, T replaced by C.
Protein change: p.Ile592Thr; replaces isoleucine 592 with threonine.
Molecular consequence: missense variant.
Genome position (GRCh38, 1-based): chr7:140,753,360, A>G on the plus strand (T>C on the coding strand, the complement: BRAF is on the minus strand). VCF-style: chr7-140753360-A-G. GRCh37 (hg19) VCF-style: chr7-140453160-A-G.
Other names: c.1775T>C, p.Ile592Thr (NM_001354609.2, NM_001378468.1, NM_001378474.1); c.1895T>C, p.Ile632Thr (NM_001374244.1, NM_001374258.1); c.1784T>C, p.Ile595Thr (NM_001378467.1); c.1709T>C, p.Ile570Thr (NM_001378469.1); c.1673T>C, p.Ile558Thr (NM_001378470.1); c.1664T>C, p.Ile555Thr (NM_001378471.1); c.1619T>C, p.Ile540Thr (NM_001378472.1, NM_001378473.1); c.1511T>C, p.Ile504Thr (NM_001378475.1); short protein forms I592T, I504T, I540T, I555T, I558T, I570T, I595T, I632T.
Identifiers: ClinVar variation 40386 (VCV000040386.5), dbSNP rs55939351, ClinGen allele CA281992.